The following is an entry in ClinVar:

ClinVar aggregate classification (germline): Uncertain significance. Review status: criteria provided, multiple submitters, no conflicts (2 of 4 stars). 2 submissions from 2 submitters: Uncertain significance (2). Last evaluated 2026-07-24.

Conditions:
Osteogenesis imperfecta type I (OI1). Also called: OI, TYPE I; Lobstein disease; OSTEOGENESIS IMPERFECTA TARDA; OSTEOGENESIS IMPERFECTA WITH BLUE SCLERAE; Osteogenesis imperfecta type 1; Lobstein's Disease. Identifiers: Orphanet 216796, Orphanet 666, MedGen C0023931, MONDO:0008146, OMIM 166200. Disease mechanism: loss of function.
Cardiovascular phenotype. Identifiers: MedGen CN230736.

Allele frequency attached by ClinVar (database versions not stated): ExAC 0.00001.
gnomAD v4.1: 4 of 1,591,236 alleles (0.00025%); highest among the groups gnomAD compares: Non-Finnish European, 0.00035%; no homozygotes.

Submissions (2):

Ambry Genetics
Classification: Uncertain significance for Cardiovascular phenotype. Last evaluated: 2026-07-24. Review status: criteria provided, single submitter. Criteria: Ambry Variant Classification Scheme 2023. Collection method: clinical testing. Allele origin: germline.
Comment: The p.P817T variant (also known as c.2449C>A), located in coding exon 35 of the COL1A1 gene, results from a C to A substitution at nucleotide position 2449. The proline at codon 817 is replaced by threonine, an amino acid with highly similar properties. This amino acid position is conserved. In addition, this alteration is predicted to be deleterious by in silico analysis. Based on the available evidence, the clinical significance of this variant remains unclear.

Labcorp Genetics (formerly Invitae), Labcorp
Classification: Uncertain significance for Osteogenesis imperfecta type I. Last evaluated: 2021-08-24. Review status: criteria provided, single submitter. Criteria: Invitae Variant Classification Sherloc (09022015). Collection method: clinical testing. Allele origin: germline.
Comment: This sequence change replaces proline with threonine at codon 817 of the COL1A1 protein (p.Pro817Thr). The proline residue is highly conserved and there is a small physicochemical difference between proline and threonine. This variant is present in population databases (rs769167761, ExAC 0.002%). This variant has not been reported in the literature in individuals affected with COL1A1-related conditions. Algorithms developed to predict the effect of missense changes on protein structure and function (SIFT, PolyPhen-2, Align-GVGD) all suggest that this variant is likely to be disruptive. In summary, the available evidence is currently insufficient to determine the role of this variant in disease. Therefore, it has been classified as a Variant of Uncertain Significance.

NM_000088.4(COL1A1):c.2449C>A (p.Pro817Thr)

Gene: COL1A1 (collagen type I alpha 1 chain; minus strand). Cytogenetic location: 17q21.33.
Variant type: single nucleotide variant.
Coding change: c.2449C>A on transcript NM_000088.4 (MANE Select); coding-DNA position 2449, C replaced by A.
Protein change: p.Pro817Thr; replaces proline 817 with threonine.
Molecular consequence: missense variant.
Genome position (GRCh38, 1-based): chr17:50,190,329, G>T on the plus strand (C>A on the coding strand, the complement: COL1A1 is on the minus strand). VCF-style: chr17-50190329-G-T. GRCh37 (hg19) VCF-style: chr17-48267690-G-T.
Other names: short protein forms P817T.
Identifiers: ClinVar variation 577608 (VCV000577608.8), dbSNP rs769167761, ClinGen allele CA8644810.